The following is an entry in ClinVar:

ClinVar aggregate classification (germline): Uncertain significance. Review status: criteria provided, multiple submitters, no conflicts (2 of 4 stars). 2 submissions from 2 submitters: Uncertain significance (2). Last evaluated 2023-04-11.

Conditions:
Hereditary cancer-predisposing syndrome. Also called: Neoplastic Syndromes, Hereditary; Tumor predisposition; Hereditary neoplastic syndrome; Hereditary Cancer Syndrome. Identifiers: Orphanet 140162, MedGen C0027672, MeSH D009386, MONDO:0015356.

Submissions (2):

Ambry Genetics
Classification: Uncertain significance for Hereditary cancer-predisposing syndrome. Last evaluated: 2023-04-11. Review status: criteria provided, single submitter. Criteria: Ambry Variant Classification Scheme 2023. Collection method: clinical testing. Allele origin: germline.
Comment: The p.T1127N variant (also known as c.3380C>A), located in coding exon 21 of the RAD50 gene, results from a C to A substitution at nucleotide position 3380. The threonine at codon 1127 is replaced by asparagine, an amino acid with similar properties. This amino acid position is not well conserved in available vertebrate species. In addition, this alteration is predicted to be tolerated by in silico analysis. Since supporting evidence is limited at this time, the clinical significance of this alteration remains unclear.

Labcorp Genetics (formerly Invitae), Labcorp
Classification: Uncertain significance for Hereditary cancer-predisposing syndrome. Last evaluated: 2022-08-03. Review status: criteria provided, single submitter. Criteria: Invitae Variant Classification Sherloc (09022015). Collection method: clinical testing. Allele origin: germline.
Comment: This variant has not been reported in the literature in individuals affected with RAD50-related conditions. This variant is not present in population databases (gnomAD no frequency). This sequence change replaces threonine, which is neutral and polar, with asparagine, which is neutral and polar, at codon 1127 of the RAD50 protein (p.Thr1127Asn). ClinVar contains an entry for this variant (Variation ID: 823693). In summary, the available evidence is currently insufficient to determine the role of this variant in disease. Therefore, it has been classified as a Variant of Uncertain Significance. Algorithms developed to predict the effect of missense changes on protein structure and function are either unavailable or do not agree on the potential impact of this missense change (SIFT: "Deleterious"; PolyPhen-2: "Benign"; Align-GVGD: "Class C0").

NM_005732.4(RAD50):c.3380C>A (p.Thr1127Asn)

Gene: RAD50 (RAD50 double strand break repair protein; plus strand). Cytogenetic location: 5q31.1.
Variant type: single nucleotide variant.
Coding change: c.3380C>A on transcript NM_005732.4 (MANE Select); coding-DNA position 3380, C replaced by A.
Protein change: p.Thr1127Asn; replaces threonine 1127 with asparagine.
Molecular consequence: missense variant.
Genome position (GRCh38, 1-based): chr5:132,618,285, C>A. VCF-style: chr5-132618285-C-A. GRCh37 (hg19) VCF-style: chr5-131953977-C-A.
Other names: short protein forms T1127N.
Identifiers: ClinVar variation 823693 (VCV000823693.10), dbSNP rs1395170959, ClinGen allele CA360965054.